The following is an entry in ClinVar:

NM_012210.4(TRIM32):c.770C>T (p.Thr257Ile)

Genes: ASTN2 (astrotactin 2; minus strand), TRIM32 (tripartite motif containing 32; plus strand). Cytogenetic location: 9q33.1.
Variant type: single nucleotide variant.
Coding change: c.770C>T on transcript NM_012210.4 (MANE Select); coding-DNA position 770, C replaced by T.
Protein change: p.Thr257Ile; replaces threonine 257 with isoleucine.
Molecular consequence: missense variant. On other transcripts: intron variant (3).
Genome position (GRCh38, 1-based): chr9:116,698,512, C>T. VCF-style: chr9-116698512-C-T. GRCh37 (hg19) VCF-style: chr9-119460791-C-T.
Other names: c.770C>T, p.Thr257Ile (NM_001099679.2, NM_001379048.1, NM_001379049.1 and 1 more transcripts); c.2653+27259G>A (NM_014010.5); c.2794+27259G>A (NM_001365069.1); c.2806+27259G>A (NM_001365068.1); short protein forms T257I.
Identifiers: ClinVar variation 1966054 (VCV001966054.5), dbSNP rs3747834, ClinGen allele CA374649748.

ClinVar aggregate classification (germline): Uncertain significance (1 of 4 stars; one submission).

Conditions:
Bardet-Biedl syndrome (BBS). Identifiers: Orphanet 110, MedGen C0752166, MONDO:0015229.

Allele frequency attached by ClinVar (database versions not stated): 1000 Genomes Project 30x 0.00016.
gnomAD v4.1: 2 of 1,613,806 alleles (0.00012%); highest among the groups gnomAD compares: East Asian, 0.0022%; no homozygotes.

Submission:

Labcorp Genetics (formerly Invitae), Labcorp
Classification: Uncertain significance for Bardet-Biedl syndrome. Last evaluated: 2022-04-08. Review status: criteria provided, single submitter. Criteria: Invitae Variant Classification Sherloc (09022015). Collection method: clinical testing. Allele origin: germline.
Comment: This sequence change replaces threonine, which is neutral and polar, with isoleucine, which is neutral and non-polar, at codon 257 of the TRIM32 protein (p.Thr257Ile). This variant is not present in population databases (gnomAD no frequency). This variant has not been reported in the literature in individuals affected with TRIM32-related conditions. Algorithms developed to predict the effect of missense changes on protein structure and function (SIFT, PolyPhen-2, Align-GVGD) all suggest that this variant is likely to be tolerated. In summary, the available evidence is currently insufficient to determine the role of this variant in disease. Therefore, it has been classified as a Variant of Uncertain Significance.